The following is an entry in ClinVar:

NM_004364.5(CEBPA):c.811_812delinsTT (p.Ala271Leu)

Gene: CEBPA (CCAAT enhancer binding protein alpha; minus strand). Cytogenetic location: 19q13.11.
Variant type: Indel.
Coding change: c.811_812delinsTT on transcript NM_004364.5 (MANE Select); coding-DNA positions 811 to 812, GC replaced by TT.
Protein change: p.Ala271Leu; replaces alanine 271 with leucine.
Molecular consequence: missense variant.
Genome position (GRCh38, 1-based): chr19:33,301,603-33,301,604, GC replaced by AA on the plus strand (GC replaced by TT on the coding strand, the reverse complement: CEBPA is on the minus strand). VCF-style: chr19-33301603-GC-AA. GRCh37 (hg19) VCF-style: chr19-33792509-GC-AA.
Other names: c.454_455delinsTT, p.Ala152Leu (NM_001285829.2); c.916_917delinsTT, p.Ala306Leu (NM_001287424.2); c.769_770delinsTT, p.Ala257Leu (NM_001287435.2); short protein forms A152L, A306L, A271L, A257L.
Identifiers: ClinVar variation 1510084 (VCV001510084.6), dbSNP rs2145259941, ClinGen allele CA2573156211.

ClinVar aggregate classification (germline): Uncertain significance (1 of 4 stars; one submission).

Conditions:
Acute myeloid leukemia (AML). Also called: Leukemia, acute myeloid, somatic; Leukemia, acute myelogenous, somatic; Acute myeloid leukemia, adult; AML adult; Acute non-lymphocytic leukemia; Acute granulocytic leukemia. Identifiers: Orphanet 519, MedGen C0023467, MeSH D015470, MONDO:0018874, OMIM 601626, HP:0004808. Disease mechanism: Constitutively activated FLT3.

Submission:

Labcorp Genetics (formerly Invitae), Labcorp
Classification: Uncertain significance for Acute myeloid leukemia. Last evaluated: 2021-02-14. Review status: criteria provided, single submitter. Criteria: Invitae Variant Classification Sherloc (09022015). Collection method: clinical testing. Allele origin: germline.
Comment: In summary, the available evidence is currently insufficient to determine the role of this variant in disease. Therefore, it has been classified as a Variant of Uncertain Significance. Algorithms developed to predict the effect of missense changes on protein structure and function are either unavailable or do not agree on the potential impact of this missense change (SIFT: "Not Available"; PolyPhen-2: "Benign"; Align-GVGD: "Not Available"). This variant has not been reported in the literature in individuals with CEBPA-related conditions. The frequency data for this variant in the population databases is not available, as this variant may be reported as separate entries in the ExAC database. This sequence change replaces alanine with leucine at codon 271 of the CEBPA protein (p.Ala271Leu). The alanine residue is weakly conserved and there is a moderate physicochemical difference between alanine and leucine.